The following is an entry in ClinVar:

NM_002101.5(GYPC):c.248A>G (p.Tyr83Cys)

Gene: GYPC (glycophorin C (Gerbich blood group); plus strand). Cytogenetic location: 2q14.3.
Variant type: single nucleotide variant.
Coding change: c.248A>G on transcript NM_002101.5 (MANE Select); coding-DNA position 248, A replaced by G.
Protein change: p.Tyr83Cys; replaces tyrosine 83 with cysteine.
Molecular consequence: missense variant.
Genome position (GRCh38, 1-based): chr2:126,696,003, A>G. VCF-style: chr2-126696003-A-G. GRCh37 (hg19) VCF-style: chr2-127453579-A-G.
Other names: c.185A>G, p.Tyr62Cys (NM_001256584.2); c.191A>G, p.Tyr64Cys (NM_016815.4); c.248A>G (NM_002101.4); short protein forms Y62C, Y64C, Y83C.
Identifiers: ClinVar variation 1163798 (VCV001163798.10), dbSNP rs115178969, ClinGen allele CA1856783.

ClinVar aggregate classification (germline): Uncertain significance. Review status: criteria provided, single submitter (1 of 4 stars). 2 submissions from 2 submitters: Uncertain significance (1). 1 of the submissions does not count toward it. Last evaluated 2025-08-19.

Conditions:
GYPC-related disorder. Also called: GYPC-related condition.

Allele frequency attached by ClinVar (database versions not stated): 1000 Genomes Project 0.00319; TOPMed 0.00436; ESP Exome Variant Server 0.00369; ExAC 0.00126; gnomAD exomes 0.00036 and 0.00100; gnomAD 0.00379 and 0.00413; 1000 Genomes Project 30x 0.00406.
gnomAD v4.1: 1,106 of 1,614,140 alleles (0.069%); highest among the groups gnomAD compares: African/African-American, 1.4%; 8 homozygotes.

Submissions (2):

Mayo Clinic Laboratories, Mayo Clinic
Classification: Uncertain significance. Last evaluated: 2025-08-19. Review status: criteria provided, single submitter. Criteria: ACMG Guidelines, 2015. Collection method: clinical testing. Allele origin: germline. Observed: 12 variant alleles.

PreventionGenetics, part of Exact Sciences
Classification: Benign for GYPC-related condition. Last evaluated: 2024-05-06. Review status: no assertion criteria provided. Collection method: clinical testing. Allele origin: germline. Not counted in ClinVar's aggregate classification.
Comment: This variant is classified as benign based on ACMG/AMP sequence variant interpretation guidelines (Richards et al. 2015 PMID: 25741868, with internal and published modifications).